The following is an entry in ClinVar:

ClinVar aggregate classification (germline): Uncertain significance. Review status: criteria provided, multiple submitters, no conflicts (2 of 4 stars). 6 submissions from 6 submitters: Uncertain significance (5). 1 of the submissions does not count toward it. Last evaluated 2026-05-22.

Conditions:
Retinal dystrophy. Also called: Inherited retinal dystrophy. Identifiers: Orphanet 71862, MedGen C0854723, MeSH D058499, MONDO:0019118, HP:0000556.
SCLT1-related disorder. Also called: SCLT1-related condition.

Allele frequency attached by ClinVar (database versions not stated): gnomAD exomes 0.00006 and 0.00007; ExAC 0.00007; TOPMed 0.00009; gnomAD 0.00011; ESP Exome Variant Server 0.00015; 1000 Genomes Project 30x 0.00016; 1000 Genomes Project 0.00020.
gnomAD v4.1: 124 of 1,598,500 alleles (0.0078%); highest among the groups gnomAD compares: Middle Eastern, 0.083%; no homozygotes.

Submissions (6):

PreventionGenetics, part of Exact Sciences
Classification: Uncertain significance for SCLT1-related condition. Last evaluated: 2026-05-22. Review status: criteria provided, single submitter. Criteria: ACMG Guidelines, 2015. Collection method: clinical testing. Allele origin: germline.
Comment: The SCLT1 c.539A>G variant is predicted to result in the amino acid substitution p.Gln180Arg. To our knowledge, this variant has not been reported in the literature. This variant is reported in 0.012% of alleles in individuals of Latino descent in gnomAD. At this time, the clinical significance of this variant is uncertain due to the absence of conclusive functional and genetic evidence.

Ambry Genetics
Classification: Uncertain significance. Last evaluated: 2024-12-16. Review status: criteria provided, single submitter. Criteria: Ambry Variant Classification Scheme 2023. Collection method: clinical testing. Allele origin: germline.

Blueprint Genetics
Classification: Uncertain significance. Last evaluated: 2023-05-30. Review status: criteria provided, single submitter. Criteria: ACMG Guidelines, 2015. Collection method: clinical testing. Allele origin: germline.

Labcorp Genetics (formerly Invitae), Labcorp
Classification: Uncertain significance. Last evaluated: 2022-08-16. Review status: criteria provided, single submitter. Criteria: Invitae Variant Classification Sherloc (09022015). Collection method: clinical testing. Allele origin: germline.
Comment: This sequence change replaces glutamine, which is neutral and polar, with arginine, which is basic and polar, at codon 180 of the SCLT1 protein (p.Gln180Arg). This variant is present in population databases (rs142407438, gnomAD 0.01%). This variant has not been reported in the literature in individuals affected with SCLT1-related conditions. ClinVar contains an entry for this variant (Variation ID: 1016906). Algorithms developed to predict the effect of missense changes on protein structure and function output the following: SIFT: "Tolerated"; PolyPhen-2: "Benign"; Align-GVGD: "Class C0". The arginine amino acid residue is found in multiple mammalian species, which suggests that this missense change does not adversely affect protein function. In summary, the available evidence is currently insufficient to determine the role of this variant in disease. Therefore, it has been classified as a Variant of Uncertain Significance.

Breakthrough Genomics
Classification: Uncertain significance. Review status: criteria provided, single submitter. Criteria: ACMG Guidelines, 2015. Collection method: not provided. Allele origin: germline. Inheritance: Unknown mechanism. Affected: yes.

Institute of Human Genetics, Univ. Regensburg, Univ. Regensburg
Classification: Uncertain significance for Retinal dystrophy. Last evaluated: 2022-01-01. Review status: no assertion criteria provided. Criteria: ACMG Guidelines, 2015. Collection method: clinical testing. Allele origin: germline. Affected: yes. Not counted in ClinVar's aggregate classification.

NM_144643.4(SCLT1):c.539A>G (p.Gln180Arg)

Gene: SCLT1 (sodium channel and clathrin linker 1; minus strand). Cytogenetic location: 4q28.2.
Variant type: single nucleotide variant.
Coding change: c.539A>G on transcript NM_144643.4 (MANE Select); coding-DNA position 539, A replaced by G.
Protein change: p.Gln180Arg; replaces glutamine 180 with arginine.
Molecular consequence: missense variant.
Genome position (GRCh38, 1-based): chr4:128,999,682, T>C on the plus strand (A>G on the coding strand, the complement: SCLT1 is on the minus strand). VCF-style: chr4-128999682-T-C. GRCh37 (hg19) VCF-style: chr4-129920837-T-C.
Other names: c.539A>G (NM_144643.2, NM_144643.3); short protein forms Q180R.
Identifiers: ClinVar variation 1016906 (VCV001016906.10), dbSNP rs142407438, ClinGen allele CA3079916.